The following is an entry in ClinVar:

ClinVar aggregate classification (germline): Uncertain significance (1 of 4 stars; one submission).

Conditions:
MC3R-related disorder. Also called: MC3R-related condition.

Allele frequency attached by ClinVar (database versions not stated): ESP Exome Variant Server 0.00008.

Submission:

PreventionGenetics, part of Exact Sciences
Classification: Uncertain significance for MC3R-related condition. Last evaluated: 2026-09-25. Review status: criteria provided, single submitter. Criteria: ACMG Guidelines, 2015. Collection method: clinical testing. Allele origin: germline.
Comment: The MC3R c.634C>G variant is predicted to result in the amino acid substitution p.Leu212Val. Functional studies demonstrated that the p.Leu212Val variant had decreased cell surface localization, but similar total protein expression when compared to wild-type MC3R, suggesting this variant may be retained intracellularly due to misfolding (referred to as L249V in Yang and Tao. 2012. PubMed ID: 22884546). Of note, the authors observed no statistically significant difference in binding and signaling properties of the p.Leu212Val variant MC3R compared to wild-type MC3R. This variant is reported in 0.10% of alleles in individuals of European (Finnish) descent in gnomAD, which may be too frequent to be a primary cause of disease. Although we suspect that this variant may be benign, at this time, the clinical significance of this variant is uncertain due to the absence of conclusive functional and genetic evidence.

NM_019888.3(MC3R):c.634C>G (p.Leu212Val)

Gene: MC3R (melanocortin 3 receptor; plus strand). Cytogenetic location: 20q13.2.
Variant type: single nucleotide variant.
Coding change: c.634C>G on transcript NM_019888.3 (MANE Select); coding-DNA position 634, C replaced by G.
Protein change: p.Leu212Val; replaces leucine 212 with valine.
Molecular consequence: missense variant.
Genome position (GRCh38, 1-based): chr20:56,249,477, C>G. VCF-style: chr20-56249477-C-G. GRCh37 (hg19) VCF-style: chr20-54824533-C-G.
Other names: short protein forms L212V.
Identifiers: ClinVar variation 2628827 (VCV002628827.4), dbSNP rs61735256, ClinGen allele CA9917053.